The following is an entry in ClinVar:

ClinVar aggregate classification (germline): Uncertain significance. Review status: criteria provided, multiple submitters, no conflicts (2 of 4 stars). 2 submissions from 2 submitters: Uncertain significance (2). Last evaluated 2023-01-27.

Conditions:
Inborn genetic diseases. Identifiers: MedGen C0950123, MeSH D030342.
Autosomal dominant Parkinson disease 8. Also called: LRRK2-Related Parkinson Disease; Parkinson disease 8; Parkinson disease 8, susceptibility to. Identifiers: Orphanet 411602, MedGen C1846862, MONDO:0011764, OMIM 607060.

Allele frequency attached by ClinVar (database versions not stated): gnomAD exomes below 0.00001; gnomAD 0.00001; TOPMed 0.00001.
gnomAD v4.1: 2 of 1,544,634 alleles (0.00013%); highest among the groups gnomAD compares: African/African-American, 0.0014%; no homozygotes.

Submissions (2):

Ambry Genetics
Classification: Uncertain significance for Inborn genetic diseases. Last evaluated: 2023-01-27. Review status: criteria provided, single submitter. Criteria: Ambry Variant Classification Scheme 2023. Collection method: clinical testing. Allele origin: germline.
Comment: The p.H1197Y variant (also known as c.3589C>T), located in coding exon 26 of the LRRK2 gene, results from a C to T substitution at nucleotide position 3589. The histidine at codon 1197 is replaced by tyrosine, an amino acid with similar properties. This amino acid position is conserved. In addition, this alteration is predicted to be tolerated by in silico analysis. Since supporting evidence is limited at this time, the clinical significance of this alteration remains unclear.

Labcorp Genetics (formerly Invitae), Labcorp
Classification: Uncertain significance for Autosomal dominant Parkinson disease 8. Last evaluated: 2022-06-19. Review status: criteria provided, single submitter. Criteria: Invitae Variant Classification Sherloc (09022015). Collection method: clinical testing. Allele origin: germline.
Comment: This sequence change replaces histidine, which is basic and polar, with tyrosine, which is neutral and polar, at codon 1197 of the LRRK2 protein (p.His1197Tyr). In summary, the available evidence is currently insufficient to determine the role of this variant in disease. Therefore, it has been classified as a Variant of Uncertain Significance. Algorithms developed to predict the effect of missense changes on protein structure and function are either unavailable or do not agree on the potential impact of this missense change (SIFT: "Tolerated"; PolyPhen-2: "Probably Damaging"; Align-GVGD: "Class C0"). This variant has not been reported in the literature in individuals affected with LRRK2-related conditions. This variant is not present in population databases (gnomAD no frequency).

NM_198578.4(LRRK2):c.3589C>T (p.His1197Tyr)

Gene: LRRK2 (leucine rich repeat kinase 2; plus strand). Cytogenetic location: 12q12.
Variant type: single nucleotide variant.
Coding change: c.3589C>T on transcript NM_198578.4 (MANE Select); coding-DNA position 3589, C replaced by T.
Protein change: p.His1197Tyr; replaces histidine 1197 with tyrosine.
Molecular consequence: missense variant.
Genome position (GRCh38, 1-based): chr12:40,302,881, C>T. VCF-style: chr12-40302881-C-T. GRCh37 (hg19) VCF-style: chr12-40696683-C-T.
Other names: c.3589C>T (NM_198578.3); short protein forms H1197Y.
Identifiers: ClinVar variation 2415855 (VCV002415855.8), dbSNP rs1300919336, ClinGen allele CA384416498.